The following is an entry in ClinVar:

NM_024577.4(SH3TC2):c.517C>A (p.Leu173Met)

Gene: SH3TC2 (SH3 domain and tetratricopeptide repeats 2; minus strand). Cytogenetic location: 5q32.
Variant type: single nucleotide variant.
Coding change: c.517C>A on transcript NM_024577.4 (MANE Select); coding-DNA position 517, C replaced by A.
Protein change: p.Leu173Met; replaces leucine 173 with methionine.
Molecular consequence: missense variant.
Genome position (GRCh38, 1-based): chr5:149,042,706, G>T on the plus strand (C>A on the coding strand, the complement: SH3TC2 is on the minus strand). VCF-style: chr5-149042706-G-T. GRCh37 (hg19) VCF-style: chr5-148422269-G-T.
Other names: short protein forms L173M.
Identifiers: ClinVar variation 407269 (VCV000407269.18), dbSNP rs147633804, ClinGen allele CA3499489.

ClinVar aggregate classification (germline): Conflicting classifications of pathogenicity. Review status: criteria provided, conflicting classifications (1 of 4 stars). 8 submissions from 8 submitters: Uncertain significance (7); Benign (1). Last evaluated 2026-01-22.

Conditions:
SH3TC2-related disorder. Also called: SH3TC2-related disorders; SH3TC2-related condition. Identifiers: MedGen CN239303.
Charcot-Marie-Tooth disease. Also called: Charcot-Marie-Tooth Neuropathy; Charcot-Marie-Tooth Hereditary Neuropathy. Identifiers: Orphanet 166, MedGen C0007959, MONDO:0015626.
Inborn genetic diseases. Identifiers: MedGen C0950123, MeSH D030342.
Charcot-Marie-Tooth disease type 4C (CMT4C). Also called: CHARCOT-MARIE-TOOTH DISEASE, DEMYELINATING, AUTOSOMAL RECESSIVE, TYPE 4C; SH3TC2-Related Hereditary Motor and Sensory Neuropathy; CMT 4C; Charcot-Marie-Tooth Neuropathy Type 4C (CMT4C); CHARCOT-MARIE-TOOTH DISEASE, DEMYELINATING, TYPE 4C. Identifiers: Orphanet 99949, MedGen C1866636, MONDO:0011113, OMIM 601596.
Susceptibility to mononeuropathy of the median nerve, mild. Also called: CARPAL TUNNEL SYNDROME, SUSCEPTIBILITY TO. Identifiers: MedGen C3150596, MONDO:0013237, OMIM 613353.
Charcot-Marie-Tooth disease type 4. Also called: Charcot-Marie-Tooth disease, type IV; Charcot-Marie-Tooth, Type 4. Identifiers: Orphanet 64749, MedGen C4082197, MONDO:0018995.

Allele frequency attached by ClinVar (database versions not stated): gnomAD 0.00006 and 0.00007; gnomAD exomes 0.00006 and 0.00008; ExAC 0.00008; ESP Exome Variant Server 0.00008; TOPMed 0.00008.
gnomAD v4.1: 96 of 1,613,984 alleles (0.0059%); highest among the groups gnomAD compares: Admixed American, 0.02%; no homozygotes.

Submissions (8):

PreventionGenetics, part of Exact Sciences
Classification: Uncertain significance for SH3TC2-related condition. Last evaluated: 2026-01-22. Review status: criteria provided, single submitter. Criteria: ACMG Guidelines, 2015. Collection method: clinical testing. Allele origin: germline.
Comment: The SH3TC2 c.517C>A variant is predicted to result in the amino acid substitution p.Leu173Met. This variant was reported as a variant of uncertain significance in an individual from a large cohort study of Charcot-Marie-Tooth disease; however, additional evidence was not provided (Volodarsky et al. 2021. PubMed ID: 32376792). This variant is reported in 0.014% of alleles in individuals of Latino descent in gnomAD. At this time, the clinical significance of this variant is uncertain due to the absence of conclusive functional and genetic evidence.

Labcorp Genetics (formerly Invitae), Labcorp
Classification: Benign for Charcot-Marie-Tooth disease type 4. Last evaluated: 2025-11-04. Review status: criteria provided, single submitter. Criteria: Invitae Variant Classification Sherloc (09022015). Collection method: clinical testing. Allele origin: germline.

Ambry Genetics
Classification: Uncertain significance for Inborn genetic diseases. Last evaluated: 2025-08-24. Review status: criteria provided, single submitter. Criteria: Ambry Variant Classification Scheme 2023. Collection method: clinical testing. Allele origin: germline.

Blueprint Genetics
Classification: Uncertain significance. Last evaluated: 2024-10-14. Review status: criteria provided, single submitter. Criteria: ACMG Guidelines, 2015. Collection method: clinical testing. Allele origin: germline.

Athena Diagnostics
Classification: Uncertain significance. Last evaluated: 2024-06-13. Review status: criteria provided, single submitter. Criteria: Athena Diagnostics Criteria. Collection method: clinical testing. Allele origin: unknown.
Comment: Available data are insufficient to determine the clinical significance of the variant at this time. The frequency of this variant in the general population is uninformative in assessment of its pathogenicity. Polyphen and MutationTaster yielded discordant predictions regarding whether this amino acid change is damaging to the protein.

GeneDx
Classification: Uncertain significance. Last evaluated: 2019-10-01. Review status: criteria provided, single submitter. Criteria: GeneDx Variant Classification Process June 2021. Collection method: clinical testing. Allele origin: germline. Affected: yes.
Comment: Not observed at a significant frequency in large population cohorts (Lek et al., 2016); In silico analysis, which includes protein predictors and evolutionary conservation, supports that this variant does not alter protein structure/function; Has not been previously published as pathogenic or benign to our knowledge; This variant is associated with the following publications: (PMID: 32376792)

Fulgent Genetics
Classification: Uncertain significance for Charcot-Marie-Tooth disease type 4C; Susceptibility to mononeuropathy of the median nerve, mild. Last evaluated: 2018-10-31. Review status: criteria provided, single submitter. Criteria: ACMG Guidelines, 2015. Collection method: clinical testing. Allele origin: unknown.

Molecular Genetics Laboratory, London Health Sciences Centre
Classification: Uncertain significance for Charcot-Marie-Tooth disease. Review status: criteria provided, single submitter. Criteria: ACMG Guidelines, 2015. Collection method: clinical testing. Allele origin: germline. Affected: yes.

Literature cited by the submitters: PubMed 32376792 (cited by Athena Diagnostics).